The following is an entry in ClinVar:

NM_000077.5(CDKN2A):c.35C>A (p.Ser12Ter)

Gene: CDKN2A (cyclin dependent kinase inhibitor 2A; minus strand). Cytogenetic location: 9p21.3.
Variant type: single nucleotide variant.
Coding change: c.35C>A on transcript NM_000077.5; coding-DNA position 35, C replaced by A.
Protein change: p.Ser12Ter; replaces serine 12 with a stop codon.
Molecular consequence: nonsense (on NM_000077.6). On other transcripts: intron variant (2).
Genome position (GRCh38, 1-based): chr9:21,974,793, G>T on the plus strand (C>A on the coding strand, the complement: CDKN2A is on the minus strand). VCF-style: chr9-21974793-G-T. GRCh37 (hg19) VCF-style: chr9-21974792-G-T.
Other names: c.35C>A, p.Ser12Ter (NM_000077.6, NM_001195132.2, NM_058197.5); c.-3-3585C>A (NM_001363763.2); c.194-3585C>A (NM_058195.4); short protein forms S12*.
Identifiers: ClinVar variation 630390 (VCV000630390.18), dbSNP rs141798398, ClinGen allele CA190733105.

ClinVar aggregate classification (germline): Pathogenic. Review status: criteria provided, multiple submitters, no conflicts (2 of 4 stars). 6 submissions from 6 submitters: Pathogenic (5). 1 of the submissions does not count toward it. Last evaluated 2025-08-14.
ClinVar aggregate classification (oncogenicity): Oncogenic (1 of 4 stars; one submission).

Conditions:
CDKN2A-related disorder. Also called: CDKN2A-related condition.
Melanoma-pancreatic cancer syndrome. Identifiers: Orphanet 404560, MedGen C1838547, MONDO:0011713, OMIM 606719. Disease mechanism: loss of function.
Familial melanoma. Also called: Hereditary melanoma; Hereditary cutaneous melanoma. Identifiers: Orphanet 618, MedGen C1512419, MONDO:0018961.
Hereditary cancer-predisposing syndrome. Also called: Tumor predisposition; Neoplastic Syndromes, Hereditary; Hereditary Cancer Syndrome; Hereditary neoplastic syndrome. Identifiers: Orphanet 140162, MedGen C0027672, MeSH D009386, MONDO:0015356.
Neoplasm. Also called: tumor; Neoplasms; Neoplasm (disease). Identifiers: MedGen C0027651, MeSH D009369, MONDO:0005070, HP:0002664.

Submissions (7):

Myriad Genetics, Inc.
Classification: Pathogenic for Melanoma-pancreatic cancer syndrome. Last evaluated: 2025-08-14. Review status: criteria provided, single submitter. Criteria: Myriad Autosomal Dominant, Autosomal Recessive and X-Linked Classification Criteria (2023). Collection method: clinical testing. Allele origin: unknown.
Comment: This variant is considered pathogenic. This variant creates a termination codon and is predicted to result in premature protein truncation.

Center for Genomic Medicine, Rigshospitalet, Copenhagen University Hospital
Classification: Oncogenic for Neoplasm. Last evaluated: 2025-03-04. Review status: criteria provided, single submitter. Criteria: ClinGen/CGC/VICC Guidelines for Oncogenicity, 2022. Collection method: clinical testing. Allele origin: somatic. Affected: yes.

Ambry Genetics
Classification: Pathogenic for Hereditary cancer-predisposing syndrome. Last evaluated: 2024-12-30. Review status: criteria provided, single submitter. Criteria: Ambry Variant Classification Scheme 2023. Collection method: clinical testing. Allele origin: germline.
Comment: The p.S12* pathogenic mutation (also known as c.35C>A), located in coding exon 1 of the CDKN2A gene, results from a C to A substitution at nucleotide position 35. This changes the amino acid from a serine to a stop codon within coding exon 1. This alteration has been reported in patients diagnosed with melanoma (Casula M et al. J Clin Oncol, 2004 Jan;22:286-92; Seifert BA et al. Clin Cancer Res, 2016 Aug;22:4087-4094; Taylor NJ et al. J Invest Dermatol, 2017 12;137:2606-2612). In addition to the clinical data presented in the literature, this alteration is expected to result in loss of function by premature protein truncation or nonsense-mediated mRNA decay. As such, this alteration is interpreted as a disease-causing mutation.

Labcorp Genetics (formerly Invitae), Labcorp
Classification: Pathogenic for Familial melanoma. Last evaluated: 2024-07-29. Review status: criteria provided, single submitter. Criteria: Invitae Variant Classification Sherloc (09022015). Collection method: clinical testing. Allele origin: germline.
Comment: This sequence change creates a premature translational stop signal (p.Ser12*) in the CDKN2A (p16INK4a) gene. It is expected to result in an absent or disrupted protein product. Loss-of-function variants in CDKN2A (p16INK4a) are known to be pathogenic (PMID: 15146471, 16905682). This variant is not present in population databases (gnomAD no frequency). This premature translational stop signal has been observed in individual(s) with melanoma (PMID: 17055252, 27083775, 28830827). ClinVar contains an entry for this variant (Variation ID: 630390). For these reasons, this variant has been classified as Pathogenic.

Women's Health and Genetics/Laboratory Corporation of America, LabCorp
Classification: Pathogenic for Familial melanoma. Last evaluated: 2021-11-12. Review status: criteria provided, single submitter. Criteria: LabCorp Variant Classification Summary - May 2015. Collection method: clinical testing. Allele origin: germline.
Comment: Variant summary: CDKN2A c.35C>A (p.Ser12X) results in a premature termination codon, predicted to cause a truncation of the encoded protein or absence of the protein due to nonsense mediated decay, which are commonly known mechanisms for disease. Truncations downstream of this position have been classified as pathogenic by our laboratory. The variant was absent in 234484 control chromosomes (gnomAD and publication data). c.35C>A has been reported in the literature in individuals affected with Cutaneous Malignant Melanoma (Casula_2004, Seifert_2016, Taylor_2017). These data indicate that the variant may be associated with disease. To our knowledge, no experimental evidence demonstrating an impact on protein function has been reported. Two ClinVar submitters (evaluation after 2014) cite the variant as pathogenic. Based on the evidence outlined above, the variant was classified as pathogenic.

Color Diagnostics, LLC DBA Color Health
Classification: Pathogenic for Hereditary cancer-predisposing syndrome. Last evaluated: 2018-02-05. Review status: criteria provided, single submitter. Criteria: ACMG Guidelines, 2015. Collection method: clinical testing. Allele origin: germline.

PreventionGenetics, part of Exact Sciences
Classification: Pathogenic for CDKN2A-related condition. Last evaluated: 2023-11-03. Review status: no assertion criteria provided. Collection method: clinical testing. Allele origin: germline. Not counted in ClinVar's aggregate classification.
Comment: The CDKN2A c.35C>A variant is predicted to result in premature protein termination (p.Ser12*). This variant corresponds to c.35C>A (p.Ser*) in both p16INK4A (NM_000077.4) and p14ARF (NM_058195.3). This variant has been reported in individuals with cutaneous malignant melanoma (Table 1, Casula et al. 2007. PubMed ID: 17055252; Table 1, Casula et al. 2009. PubMed ID: 19799798; Table S3, Taylor et al. 2017. PubMed ID: 28830827). It has also been reported in an individual with a personal history of breast cancer and multiple melanomas (Table 2, Seifert et al. 2016. PubMed ID: 27083775). This variant has not been reported in a large population database, indicating this variant is rare. It is interpreted as pathogenic in ClinVar. Nonsense variants in CDKN2A are expected to be pathogenic. This variant is interpreted as pathogenic.

Literature cited by the submitters: PubMed 9053859 (cited by Center for Genomic Medicine, Rigshospitalet, Copenhagen University Hospital); PubMed 8668202 (cited by Center for Genomic Medicine, Rigshospitalet, Copenhagen University Hospital); PubMed 14722037 (cited by Ambry Genetics and Women's Health and Genetics/Laboratory Corporation of America, LabCorp); PubMed 27083775 (cited by 3 submitters); PubMed 28830827 (cited by 3 submitters); PubMed 15146471 (cited by Labcorp Genetics (formerly Invitae), Labcorp); PubMed 16905682 (cited by Labcorp Genetics (formerly Invitae), Labcorp); PubMed 17055252 (cited by Labcorp Genetics (formerly Invitae), Labcorp and Women's Health and Genetics/Laboratory Corporation of America, LabCorp); PubMed 19799798 (cited by Women's Health and Genetics/Laboratory Corporation of America, LabCorp).